The following is an entry in ClinVar:

NM_152703.5(SAMD9L):c.186G>T (p.Trp62Cys)

Gene: SAMD9L (sterile alpha motif domain containing 9 like; minus strand). Cytogenetic location: 7q21.2.
Variant type: single nucleotide variant.
Coding change: c.186G>T on transcript NM_152703.5 (MANE Select); coding-DNA position 186, G replaced by T.
Protein change: p.Trp62Cys; replaces tryptophan 62 with cysteine.
Molecular consequence: missense variant.
Genome position (GRCh38, 1-based): chr7:93,135,786, C>A on the plus strand (G>T on the coding strand, the complement: SAMD9L is on the minus strand). VCF-style: chr7-93135786-C-A. GRCh37 (hg19) VCF-style: chr7-92765099-C-A.
Other names: c.186G>T, p.Trp62Cys (NM_001303496.3, NM_001303497.3, NM_001303498.3 and 5 more transcripts); short protein forms W62C.
Identifiers: ClinVar variation 3359426 (VCV003359426.1).

ClinVar aggregate classification (germline): Uncertain significance (1 of 4 stars; one submission).

Submission:

GeneDx
Classification: Uncertain significance. Last evaluated: 2023-06-01. Review status: criteria provided, single submitter. Criteria: GeneDx Variant Classification Process June 2021. Collection method: clinical testing. Allele origin: germline. Affected: yes.
Comment: Not observed at significant frequency in large population cohorts (gnomAD); In silico analysis supports that this missense variant does not alter protein structure/function; Has not been previously published as pathogenic or benign to our knowledge